The following is an entry in ClinVar:

NM_005530.3(IDH3A):c.27+2T>C

Genes: IDH3A (isocitrate dehydrogenase (NAD(+)) 3 catalytic subunit alpha; plus strand), LOC130057684 (ATAC-STARR-seq lymphoblastoid silent region 6706; plus strand). Cytogenetic location: 15q25.1.
Variant type: single nucleotide variant.
Coding change: c.27+2T>C on transcript NM_005530.3 (MANE Select); the canonical splice donor site of the intron after coding-DNA position 27, T replaced by C.
Molecular consequence: splice donor variant.
Genome position (GRCh38, 1-based): chr15:78,149,432, T>C. VCF-style: chr15-78149432-T-C. GRCh37 (hg19) VCF-style: chr15-78441774-T-C.
Identifiers: ClinVar variation 1467972 (VCV001467972.8), dbSNP rs1033207881, ClinGen allele CA273839041.

ClinVar aggregate classification (germline): Likely pathogenic (1 of 4 stars; one submission).

Allele frequency attached by ClinVar (database versions not stated): TOPMed below 0.00001; gnomAD 0.00001; gnomAD exomes 0.00001.
gnomAD v4.1: 9 of 1,542,686 alleles (0.00058%); highest among the groups gnomAD compares: Non-Finnish European, 0.00078%; no homozygotes.

Submission:

Labcorp Genetics (formerly Invitae), Labcorp
Classification: Likely pathogenic. Last evaluated: 2024-05-16. Review status: criteria provided, single submitter. Criteria: Invitae Variant Classification Sherloc (09022015). Collection method: clinical testing. Allele origin: germline.
Comment: This sequence change affects a donor splice site in intron 1 of the IDH3A gene. It is expected to disrupt RNA splicing. Variants that disrupt the donor or acceptor splice site typically lead to a loss of protein function (PMID: 16199547), and loss-of-function variants in IDH3A are known to be pathogenic (PMID: 28412069). The frequency data for this variant in the population databases is considered unreliable, as metrics indicate poor data quality at this position in the gnomAD database. This variant has not been reported in the literature in individuals affected with IDH3A-related conditions. ClinVar contains an entry for this variant (Variation ID: 1467972). Algorithms developed to predict the effect of sequence changes on RNA splicing suggest that this variant may disrupt the consensus splice site. In summary, the currently available evidence indicates that the variant is pathogenic, but additional data are needed to prove that conclusively. Therefore, this variant has been classified as Likely Pathogenic.

Literature cited by the submitters: PubMed 16199547; PubMed 28412069.